The following is an entry in ClinVar:

NM_004629.2(FANCG):c.1497T>A (p.Cys499Ter)

Gene: FANCG (FA complementation group G; minus strand). Cytogenetic location: 9p13.3.
Variant type: single nucleotide variant.
Coding change: c.1497T>A on transcript NM_004629.2 (MANE Select); coding-DNA position 1497, T replaced by A.
Protein change: p.Cys499Ter; replaces cysteine 499 with a stop codon.
Molecular consequence: nonsense.
Genome position (GRCh38, 1-based): chr9:35,075,066, A>T on the plus strand (T>A on the coding strand, the complement: FANCG is on the minus strand). VCF-style: chr9-35075066-A-T. GRCh37 (hg19) VCF-style: chr9-35075063-A-T.
Other names: short protein forms C499*.
Identifiers: ClinVar variation 2749207 (VCV002749207.3), dbSNP rs1340517333, ClinGen allele CA373305096.

ClinVar aggregate classification (germline): Pathogenic (1 of 4 stars; one submission).

Conditions:
Fanconi anemia (FA). Also called: Fanconi's anemia. Identifiers: Orphanet 84, MedGen C0015625, MeSH D005199, MONDO:0019391.

Submission:

Labcorp Genetics (formerly Invitae), Labcorp
Classification: Pathogenic for Fanconi anemia. Last evaluated: 2023-08-02. Review status: criteria provided, single submitter. Criteria: Invitae Variant Classification Sherloc (09022015). Collection method: clinical testing. Allele origin: germline.
Comment: This sequence change creates a premature translational stop signal (p.Cys499*) in the FANCG gene. It is expected to result in an absent or disrupted protein product. Loss-of-function variants in FANCG are known to be pathogenic (PMID: 12552564). For these reasons, this variant has been classified as Pathogenic. Algorithms developed to predict the effect of sequence changes on RNA splicing suggest that this variant may disrupt the consensus splice site. This variant has not been reported in the literature in individuals affected with FANCG-related conditions. This variant is not present in population databases (gnomAD no frequency).

Literature cited by the submitters: PubMed 12552564.